The following is an entry in ClinVar:

ClinVar aggregate classification (germline): Uncertain significance (1 of 4 stars; one submission).

Submission:

Clinical Genomics Laboratory, Washington University in St. Louis
Classification: Uncertain significance. Last evaluated: 2024-10-03. Review status: criteria provided, single submitter. Criteria: ACMG Guidelines, 2015. Collection method: clinical testing. Allele origin: germline.
Comment: The PSMD13 c.397-1G>C variant, to our knowledge, has not been reported in the medical literature and is absent from the general population (gnomAD v.2.1.1), indicating it is not a common variant. This variant occurs within the canonical splice acceptor site, which is predicted to cause skipping of the exon, leading to an in-frame transcript. Due to limited information, the clinical significance of this variant is uncertain.

NM_002817.4(PSMD13):c.397-1G>C

Gene: PSMD13 (proteasome 26S subunit, non-ATPase 13; plus strand). Cytogenetic location: 11p15.5.
Variant type: single nucleotide variant.
Coding change: c.397-1G>C on transcript NM_002817.4 (MANE Select); the canonical splice acceptor site of the intron before coding-DNA position 397, G replaced by C.
Molecular consequence: splice acceptor variant.
Genome position (GRCh38, 1-based): chr11:247,276, G>C. VCF-style: chr11-247276-G-C. GRCh37 (hg19) VCF-style: chr11-247276-G-C.
Other names: c.403-1G>C (NM_175932.3).
Identifiers: ClinVar variation 3600384 (VCV003600384.1).